The following is an entry in ClinVar:

ClinVar aggregate classification (germline): Benign/Likely benign. Review status: criteria provided, multiple submitters, no conflicts (2 of 4 stars). 9 submissions from 9 submitters: Benign (8); Likely benign (1). Last evaluated 2026-02-04.

Conditions:
Granulomatous disease, chronic, autosomal recessive, cytochrome b-positive, type 2. Also called: GRANULOMATOUS DISEASE, CHRONIC, AUTOSOMAL RECESSIVE, 2; Chronic Granulomatous Disease, Autosomal Recessive, Cytochrome b-Positive, Type II; CGD, AUTOSOMAL RECESSIVE CYTOCHROME b-POSITIVE, TYPE II; GRANULOMATOUS DISEASE, CHRONIC, DUE TO NCF2 DEFICIENCY; Chronic granulomatous disease due to deficiency of NCF-2. Identifiers: Orphanet 379, MedGen C1856245, MONDO:0009310, OMIM 233710.

Allele frequency attached by ClinVar (database versions not stated): 1000 Genomes Project 30x 0.01733; 1000 Genomes Project 0.01817; ExAC 0.03410; gnomAD exomes 0.03432 and 0.04513; gnomAD 0.03475 and 0.03621; TOPMed 0.03517; ESP Exome Variant Server 0.03706.
gnomAD v4.1: 71,279 of 1,613,450 alleles (4.4%); highest among the groups gnomAD compares: Non-Finnish European, 5.1%; 1,806 homozygotes.

Submissions (9):

Labcorp Genetics (formerly Invitae), Labcorp
Classification: Benign for Granulomatous disease, chronic, autosomal recessive, cytochrome b-positive, type 2. Last evaluated: 2026-02-04. Review status: criteria provided, single submitter. Criteria: Invitae Variant Classification Sherloc (09022015). Collection method: clinical testing. Allele origin: germline.

Women's Health and Genetics/Laboratory Corporation of America, LabCorp
Classification: Benign. Last evaluated: 2026-01-21. Review status: criteria provided, single submitter. Criteria: LabCorp Variant Classification Summary - May 2015. Collection method: clinical testing. Allele origin: germline.

Blueprint Genetics
Classification: Likely benign. Last evaluated: 2024-11-26. Review status: criteria provided, single submitter. Criteria: ACMG Guidelines, 2015. Collection method: clinical testing. Allele origin: germline.

Mayo Clinic Laboratories, Mayo Clinic
Classification: Benign. Last evaluated: 2019-06-19. Review status: criteria provided, single submitter. Criteria: ACMG Guidelines, 2015. Collection method: clinical testing. Allele origin: germline. Observed: 32 variant alleles.

Illumina Laboratory Services, Illumina
Classification: Benign for Granulomatous disease, chronic, autosomal recessive, cytochrome b-positive, type 2. Last evaluated: 2018-01-13. Review status: criteria provided, single submitter. Criteria: ICSL Variant Classification Criteria 13 December 2019. Collection method: clinical testing. Allele origin: germline.
Comment: This variant was observed in the ICSL laboratory as part of a predisposition screen in an ostensibly healthy population. It had not been previously curated by ICSL or reported in the Human Gene Mutation Database (HGMD: prior to June 1st, 2018), and was therefore a candidate for classification through an automated scoring system. Utilizing variant allele frequency, disease prevalence and penetrance estimates, and inheritance mode, an automated score was calculated to assess if this variant is too frequent to cause the disease. Based on the score and internal cut-off values, a variant classified as benign is not then subjected to further curation. The score for this variant resulted in a classification of benign for this disease.

Eurofins Ntd Llc (ga)
Classification: Benign. Last evaluated: 2015-05-05. Review status: criteria provided, single submitter. Criteria: EGL Classification Definitions 2015. Collection method: clinical testing. Allele origin: germline. Observed: 1 variant allele, 1 heterozygote.

GeneDx
Classification: Benign. Last evaluated: 2015-03-03. Review status: criteria provided, single submitter. Criteria: GeneDx Variant Classification Process June 2021. Collection method: clinical testing. Allele origin: germline. Affected: yes.
Comment: This variant is associated with the following publications: (PMID: 24163247)

Breakthrough Genomics
Classification: Benign. Review status: criteria provided, single submitter. Criteria: ACMG Guidelines, 2015. Collection method: not provided. Allele origin: germline. Inheritance: Autosomal recessive inheritance. Affected: yes.

PreventionGenetics, part of Exact Sciences
Classification: Benign. Review status: criteria provided, single submitter. Criteria: ACMG Guidelines, 2015. Collection method: clinical testing. Allele origin: germline.

NM_000433.4(NCF2):c.606G>A (p.Ala202=)

Gene: NCF2 (neutrophil cytosolic factor 2; minus strand). Cytogenetic location: 1q25.3.
Variant type: single nucleotide variant.
Coding change: c.606G>A on transcript NM_000433.4 (MANE Select); coding-DNA position 606, G replaced by A.
Protein change: p.Ala202=; no amino-acid change (alanine 202 retained).
Molecular consequence: synonymous variant. On other transcripts: intron variant (1).
Genome position (GRCh38, 1-based): chr1:183,573,188, C>T on the plus strand (G>A on the coding strand, the complement: NCF2 is on the minus strand). VCF-style: chr1-183573188-C-T. GRCh37 (hg19) VCF-style: chr1-183542323-C-T.
Other names: p.Ala202=; c.606G>A, p.Ala202= (NM_001127651.3); c.471G>A, p.Ala157= (NM_001190794.2); c.367-2349G>A (NM_001190789.2).
Identifiers: ClinVar variation 197668 (VCV000197668.25), dbSNP rs17849501, ClinGen allele CA203005.
Genomic context (GRCh38, chr1:183,573,188, plus strand): 5'-TGCTCCACATGGCCCGGGCCACAGGAGACTCAGGGGAAGCTGAGCAATCCCACCTACCGT[C>T]GCCTTGCCTAGGTAATCCTTCTTGGCCAGCTGAGCCACTTGTCTCTCATTTGGTCGAAAC-3'
Protein context (NP_000424.2, residues 192-212): QLAKKDYLGK[Ala202=]TVVASVVDQD